The following is an entry in ClinVar:

ClinVar aggregate classification (germline): Benign/Likely benign. Review status: criteria provided, multiple submitters, no conflicts (2 of 4 stars). 8 submissions from 8 submitters: Benign (1); Likely benign (6). 1 of the submissions does not count toward it. Last evaluated 2026-01-27.

Conditions:
Hereditary cancer-predisposing syndrome. Also called: Tumor predisposition; Neoplastic Syndromes, Hereditary; Hereditary neoplastic syndrome; Hereditary Cancer Syndrome. Identifiers: Orphanet 140162, MedGen C0027672, MeSH D009386, MONDO:0015356.
Colorectal cancer, susceptibility to, 12 (CRCS12). Also called: COLORECTAL CANCER, SUSCEPTIBILITY TO, ON CHROMOSOME 12q24. Identifiers: Orphanet 220460, MedGen C3554460, MONDO:0014038, OMIM 615083.
POLE-related disorder. Also called: POLE-related disorders; POLE-related condition.

Allele frequency attached by ClinVar (database versions not stated): gnomAD 0.00003 and 0.00004; TOPMed 0.00003; ExAC 0.00004; gnomAD exomes 0.00005; ESP Exome Variant Server 0.00008.
gnomAD v4.1: 84 of 1,613,822 alleles (0.0052%); highest among the groups gnomAD compares: East Asian, 0.016%; no homozygotes.

Submissions (8):

Labcorp Genetics (formerly Invitae), Labcorp
Classification: Likely benign. Last evaluated: 2026-01-27. Review status: criteria provided, single submitter. Criteria: Invitae Variant Classification Sherloc (09022015). Collection method: clinical testing. Allele origin: germline.

KCCC/NGS Laboratory, Kuwait Cancer Control Center
Classification: Benign for Colorectal cancer, susceptibility to, 12. Last evaluated: 2025-02-01. Review status: criteria provided, single submitter. Criteria: ACMG Guidelines, 2015. Collection method: clinical testing. Allele origin: germline. Affected: no.

Blueprint Genetics
Classification: Likely benign. Last evaluated: 2023-09-22. Review status: criteria provided, single submitter. Criteria: ACMG Guidelines, 2015. Collection method: clinical testing. Allele origin: germline.

GeneDx
Classification: Likely benign. Last evaluated: 2021-09-20. Review status: criteria provided, single submitter. Criteria: GeneDx Variant Classification Process June 2021. Collection method: clinical testing. Allele origin: germline. Affected: yes.

Sema4
Classification: Likely benign for Hereditary cancer-predisposing syndrome. Last evaluated: 2021-05-06. Review status: criteria provided, single submitter. Criteria: Sema4 Curation Guidelines. Collection method: curation. Allele origin: germline.

Ambry Genetics
Classification: Likely benign for Hereditary cancer-predisposing syndrome. Last evaluated: 2015-10-08. Review status: criteria provided, single submitter. Criteria: Ambry Variant Classification Scheme 2023. Collection method: clinical testing. Allele origin: germline.

Breakthrough Genomics
Classification: Likely benign. Review status: criteria provided, single submitter. Criteria: ACMG Guidelines, 2015. Collection method: not provided. Allele origin: germline. Inheritance: Autosomal recessive inheritance. Affected: yes.

PreventionGenetics, part of Exact Sciences
Classification: Likely benign for POLE-related condition. Last evaluated: 2024-08-31. Review status: no assertion criteria provided. Collection method: clinical testing. Allele origin: germline. Not counted in ClinVar's aggregate classification.
Comment: This variant is classified as likely benign based on ACMG/AMP sequence variant interpretation guidelines (Richards et al. 2015 PMID: 25741868, with internal and published modifications).

NM_006231.4(POLE):c.762G>A (p.Pro254=)

Gene: POLE (DNA polymerase epsilon, catalytic subunit; minus strand). Cytogenetic location: 12q24.33.
Variant type: single nucleotide variant.
Coding change: c.762G>A on transcript NM_006231.4 (MANE Select); coding-DNA position 762, G replaced by A.
Protein change: p.Pro254=; no amino-acid change (proline 254 retained).
Molecular consequence: synonymous variant.
Genome position (GRCh38, 1-based): chr12:132,677,402, C>T on the plus strand (G>A on the coding strand, the complement: POLE is on the minus strand). VCF-style: chr12-132677402-C-T. GRCh37 (hg19) VCF-style: chr12-133253988-C-T.
Identifiers: ClinVar variation 391007 (VCV000391007.22), dbSNP rs371334601, ClinGen allele CA6894194.
Genomic context (GRCh38, chr12:132,677,402, plus strand): 5'-GGTAACACAAGCAAAACTTACAGGTCGTTCAACAAGGTCATCTCGGCGGGTGATTTCTAC[C>T]GGAAAAGCATTTCCTCGGTATCTGACATTGTACCAATGAGCCTGCAAAACACACAGTGTG-3'
Protein context (NP_006222.2, residues 244-264): YNVRYRGNAF[Pro254=]VEITRRDDLV